The following is an entry in ClinVar:

NM_001077268.2(ZFYVE19):c.738C>G (p.Thr246=)

Gene: ZFYVE19 (zinc finger FYVE-type containing 19; plus strand). Cytogenetic location: 15q15.1.
Variant type: single nucleotide variant.
Coding change: c.738C>G on transcript NM_001077268.2 (MANE Select); coding-DNA position 738, C replaced by G.
Protein change: p.Thr246=; no amino-acid change (threonine 246 retained).
Molecular consequence: synonymous variant.
Genome position (GRCh38, 1-based): chr15:40,810,669, C>G. VCF-style: chr15-40810669-C-G. GRCh37 (hg19) VCF-style: chr15-41102867-C-G.
Other names: c.738C>G, p.Thr246= (NM_001258420.2); c.213C>G, p.Thr71= (NM_001258421.2); c.708C>G, p.Thr236= (NM_032850.5).
Identifiers: ClinVar variation 4978282 (VCV004978282.1).

ClinVar aggregate classification (germline): Likely benign (1 of 4 stars; one submission).

Conditions:
ZFYVE19-related disorder. Also called: ZFYVE19-related condition.

gnomAD v4.1: 15 of 1,573,054 alleles (0.00095%); highest among the groups gnomAD compares: African/African-American, 0.0013%; no homozygotes.

Submission:

PreventionGenetics, part of Exact Sciences
Classification: Likely benign for ZFYVE19-related condition. Last evaluated: 2026-05-27. Review status: criteria provided, single submitter. Criteria: ACMG Guidelines, 2015. Collection method: clinical testing. Allele origin: germline.
Comment: This variant is classified as likely benign based on ACMG/AMP sequence variant interpretation guidelines (Richards et al. 2015 PMID: 25741868, with internal and published modifications).